The following is an entry in ClinVar:

ClinVar aggregate classification (germline): Likely benign. Review status: criteria provided, multiple submitters, no conflicts (2 of 4 stars). 3 submissions from 3 submitters: Likely benign (3). Last evaluated 2026-03-01.

Conditions:
Developmental and epileptic encephalopathy, 69. Also called: EPILEPTIC ENCEPHALOPATHY, EARLY INFANTILE, 69. Identifiers: MedGen C4748988, MONDO:0032657, OMIM 618285.

Allele frequency attached by ClinVar (database versions not stated): gnomAD 0.00002 and 0.00003; ExAC 0.00004; gnomAD exomes 0.00004 and 0.00007; TOPMed 0.00005; 1000 Genomes Project 30x 0.00016; ESP Exome Variant Server 0.00016.
gnomAD v4.1: 116 of 1,602,416 alleles (0.0072%); highest among the groups gnomAD compares: Non-Finnish European, 0.009%; no homozygotes.

Submissions (3):

CeGaT Center for Human Genetics Tuebingen
Classification: Likely benign. Last evaluated: 2026-03-01. Review status: criteria provided, single submitter. Criteria: CeGaT Center For Human Genetics Tuebingen Variant Classification Criteria Version 2. Collection method: clinical testing. Allele origin: germline. Affected: yes. Observed: 3 variant alleles.
Comment: CACNA1E: BP4, BP7

Labcorp Genetics (formerly Invitae), Labcorp
Classification: Likely benign. Last evaluated: 2025-12-03. Review status: criteria provided, single submitter. Criteria: Invitae Variant Classification Sherloc (09022015). Collection method: clinical testing. Allele origin: germline.

Genome-Nilou Lab
Classification: Likely benign for Developmental and epileptic encephalopathy, 69. Last evaluated: 2023-04-11. Review status: criteria provided, single submitter. Criteria: ACMG Guidelines, 2015. Collection method: clinical testing. Allele origin: germline. Affected: no.

NM_001205293.3(CACNA1E):c.6228C>T (p.His2076=)

Gene: CACNA1E (calcium voltage-gated channel subunit alpha1 E; plus strand). Cytogenetic location: 1q25.3.
Variant type: single nucleotide variant.
Coding change: c.6228C>T on transcript NM_001205293.3 (MANE Select); coding-DNA position 6228, C replaced by T.
Protein change: p.His2076=; no amino-acid change (histidine 2076 retained).
Molecular consequence: synonymous variant.
Genome position (GRCh38, 1-based): chr1:181,796,687, C>T. VCF-style: chr1-181796687-C-T. GRCh37 (hg19) VCF-style: chr1-181765823-C-T.
Other names: c.6099C>T, p.His2033= (NM_000721.4); c.6042C>T, p.His2014= (NM_001205294.2).
Identifiers: ClinVar variation 1674418 (VCV001674418.32), dbSNP rs376436823, ClinGen allele CA1276359.
Genomic context (GRCh38, chr1:181,796,687, plus strand): 5'-TGGACAGAGTTATAACCAAGTGCTTTTGTCACCTCTCACAGGCCACAAGTCTGACACTCA[C>T]CGCTCAGGGGGCAGGGAGCGGGGACGATCAAAAGAGCGAAAGCATCTTCTCTCTCCTGAT-3'
Protein context (NP_001192222.1, residues 2066-2086): NSDSGHKSDT[His2076=]RSGGRERGRS